The following is an entry in ClinVar:

ClinVar aggregate classification (germline): Pathogenic/Likely pathogenic. Review status: criteria provided, multiple submitters, no conflicts (2 of 4 stars). 3 submissions from 3 submitters: Pathogenic (1); Likely pathogenic (2). Last evaluated 2025-07-19.

Conditions:
GRIN2B-related disorder. Also called: GRIN2B-related condition.
Intellectual developmental disorder, autosomal dominant 6, with or without seizures. Also called: GRIN2B-related developmental delay, intellectual disability and autism spectrum disorder; Intellectual disability, autosomal dominant 6. Identifiers: Orphanet 589547, MedGen C3151411, MONDO:0013509, OMIM 613970.

Submissions (3):

GeneDx
Classification: Pathogenic. Last evaluated: 2025-07-19. Review status: criteria provided, single submitter. Criteria: GeneDx Variant Classification Process June 2021. Collection method: clinical testing. Allele origin: germline. Affected: yes.
Comment: Not observed at significant frequency in large population cohorts (gnomAD); Nonsense variant predicted to result in protein truncation, as the last 181 amino acids are lost, and other loss-of-function variants have been reported downstream; This variant is associated with the following publications: (PMID: 37927744)

3billion
Classification: Likely pathogenic for Intellectual developmental disorder, autosomal dominant 6, with or without seizures. Last evaluated: 2022-05-22. Review status: criteria provided, single submitter. Criteria: ACMG Guidelines, 2015. Collection method: clinical testing. Allele origin: germline. Affected: yes. Observed: 1 heterozygote.
Comment: It is absent from the gnomAD v2.1.1 dataset (PM2_M). The substitution creates a nonsense variant within 50 bp downstream of the penultimate exon or last exon, which is expected to escape nonsense-mediated mRNA decay. The truncated region is considered unknown, but more than 10% of the protein product is removed (PVS1_S). Therefore, this variant is classified as likely pathogenic according to the recommendation of ACMG/AMP guideline.

Blueprint Genetics
Classification: Likely pathogenic for GRIN2B-related disorders. Last evaluated: 2021-10-21. Review status: criteria provided, single submitter. Criteria: ACMG Guidelines, 2015. Collection method: clinical testing. Allele origin: de novo. Affected: yes. Observed: 1 variant allele.

NM_000834.5(GRIN2B):c.3912C>G (p.Tyr1304Ter)

Gene: GRIN2B (glutamate ionotropic receptor NMDA type subunit 2B; minus strand). Cytogenetic location: 12p13.1.
Variant type: single nucleotide variant.
Coding change: c.3912C>G on transcript NM_000834.5 (MANE Select); coding-DNA position 3912, C replaced by G.
Protein change: p.Tyr1304Ter; replaces tyrosine 1304 with a stop codon.
Molecular consequence: nonsense.
Genome position (GRCh38, 1-based): chr12:13,563,326, G>C on the plus strand (C>G on the coding strand, the complement: GRIN2B is on the minus strand). VCF-style: chr12-13563326-G-C. GRCh37 (hg19) VCF-style: chr12-13716260-G-C.
Other names: c.3912C>G (NM_000834.3); short protein forms Y1304*.
Identifiers: ClinVar variation 1687537 (VCV001687537.3), dbSNP rs1407009840, ClinGen allele CA383987235.
Genomic context (GRCh38, chr12:13,563,326, plus strand): 5'-CAGGCTTACGCTGCGCGGGGCCAGGGCGGCTTCTTCCTTCTGCAGGTCCACGAAGGTGTC[G>C]TAGGAGTGCTGCCGGCGCAGTTTGTTCCGGTTCTTCTTCTGGGCCTTGGAATTAGTCGGG-3'